The following is an entry in ClinVar:

ClinVar aggregate classification (germline): Likely benign (0 of 4 stars; one submission).

Conditions:
PPP2R3C-related disorder. Also called: PPP2R3C-related condition.

Allele frequency attached by ClinVar (database versions not stated): 1000 Genomes Project 30x 0.00031; 1000 Genomes Project 0.00040; ExAC 0.00057; TOPMed 0.00090; gnomAD exomes 0.00095; gnomAD 0.00101; ESP Exome Variant Server 0.00154.
gnomAD v4.1: 1,498 of 1,589,496 alleles (0.094%); highest among the groups gnomAD compares: African/African-American, 0.15%; 2 homozygotes.

Submission:

PreventionGenetics, part of Exact Sciences
Classification: Likely benign for PPP2R3C-related condition. Last evaluated: 2022-04-05. Review status: no assertion criteria provided. Collection method: clinical testing. Allele origin: germline.
Comment: This variant is classified as likely benign based on ACMG/AMP sequence variant interpretation guidelines (Richards et al. 2015 PMID: 25741868, with internal and published modifications).

NM_017917.4(PPP2R3C):c.173G>A (p.Arg58Gln)

Gene: PPP2R3C (protein phosphatase 2 regulatory subunit B''gamma; minus strand). Cytogenetic location: 14q13.2.
Variant type: single nucleotide variant.
Coding change: c.173G>A on transcript NM_017917.4 (MANE Select); coding-DNA position 173, G replaced by A.
Protein change: p.Arg58Gln; replaces arginine 58 with glutamine.
Molecular consequence: missense variant. On other transcripts: intron variant (2).
Genome position (GRCh38, 1-based): chr14:35,116,623, C>T on the plus strand (G>A on the coding strand, the complement: PPP2R3C is on the minus strand). VCF-style: chr14-35116623-C-T. GRCh37 (hg19) VCF-style: chr14-35585829-C-T.
Other names: c.-145+5279G>A (NM_001305156.2, NM_001305155.2); short protein forms R58Q.
Identifiers: ClinVar variation 3037244 (VCV003037244.2), dbSNP rs146678865, ClinGen allele CA7154545.